The following is an entry in ClinVar:

NM_004370.6(COL12A1):c.42G>C (p.Ala14=)

Gene: COL12A1 (collagen type XII alpha 1 chain; minus strand). Cytogenetic location: 6q14.1.
Variant type: single nucleotide variant.
Coding change: c.42G>C on transcript NM_004370.6 (MANE Select); coding-DNA position 42, G replaced by C.
Protein change: p.Ala14=; no amino-acid change (alanine 14 retained).
Molecular consequence: synonymous variant.
Genome position (GRCh38, 1-based): chr6:75,202,751, C>G on the plus strand (G>C on the coding strand, the complement: COL12A1 is on the minus strand). VCF-style: chr6-75202751-C-G. GRCh37 (hg19) VCF-style: chr6-75912467-C-G.
Other names: c.42G>C, p.Ala14= (NM_080645.3).
Identifiers: ClinVar variation 2170094 (VCV002170094.6), dbSNP rs758961396, ClinGen allele CA141009446.

ClinVar aggregate classification (germline): Likely benign. Review status: criteria provided, multiple submitters, no conflicts (2 of 4 stars). 2 submissions from 2 submitters: Likely benign (2). Last evaluated 2026-04-01.

Conditions:
Ullrich congenital muscular dystrophy 2 (UCMD2). Identifiers: Orphanet 75840, MedGen C4225314, MONDO:0014654, OMIM 616470.
Bethlem myopathy 2 (BTHLM2). Identifiers: Orphanet 536516, Orphanet 610, MedGen C4225313, MONDO:0034022, OMIM 616471.

gnomAD v4.1: 9 of 1,551,920 alleles (0.00058%); highest among the groups gnomAD compares: Middle Eastern, 0.017%; no homozygotes.

Submissions (2):

CeGaT Center for Human Genetics Tuebingen
Classification: Likely benign. Last evaluated: 2026-04-01. Review status: criteria provided, single submitter. Criteria: CeGaT Center For Human Genetics Tuebingen Variant Classification Criteria Version 2. Collection method: clinical testing. Allele origin: germline. Affected: yes. Observed: 1 variant allele.
Comment: COL12A1: BP4, BP7

Labcorp Genetics (formerly Invitae), Labcorp
Classification: Likely benign for Bethlem myopathy 2; Ullrich congenital muscular dystrophy 2. Last evaluated: 2025-03-11. Review status: criteria provided, single submitter. Criteria: Invitae Variant Classification Sherloc (09022015). Collection method: clinical testing. Allele origin: germline.